The following is an entry in ClinVar:

ClinVar aggregate classification (germline): Likely benign. Review status: criteria provided, multiple submitters, no conflicts (2 of 4 stars). 2 submissions from 2 submitters: Likely benign (2). Last evaluated 2026-07-07.

Conditions:
Hereditary spastic paraplegia 30. Identifiers: Orphanet 101010, MedGen C5235139, MONDO:0012476.
Neuropathy, hereditary sensory, type 2C. Also called: Hereditary sensory and autonomic neuropathy type IIC; KIF1A-Related HSAN2 (HSAN2C). Identifiers: Orphanet 970, MedGen C3280168, MONDO:0013634, OMIM 614213.
Intellectual disability, autosomal dominant 9 (NESCAVS). Also called: NESCAV SYNDROME; KIF1A-Related Neurodevelopmental Disorder. Identifiers: Orphanet 662367, MedGen C5393830, MONDO:0013656, OMIM 614255.
KIF1A-related disorder. Also called: KIF1A-related disorders; KIF1A-related condition.

Allele frequency attached by ClinVar (database versions not stated): gnomAD exomes below 0.00001; TOPMed 0.00002; gnomAD 0.00003 and 0.00004.

Submissions (2):

PreventionGenetics, part of Exact Sciences
Classification: Likely benign for KIF1A-related condition. Last evaluated: 2026-07-07. Review status: criteria provided, single submitter. Criteria: ACMG Guidelines, 2015. Collection method: clinical testing. Allele origin: germline.
Comment: This variant is classified as likely benign based on ACMG/AMP sequence variant interpretation guidelines (Richards et al. 2015 PMID: 25741868, with internal and published modifications).

Labcorp Genetics (formerly Invitae), Labcorp
Classification: Likely benign for Hereditary spastic paraplegia 30; Neuropathy, hereditary sensory, type 2C; Intellectual disability, autosomal dominant 9. Last evaluated: 2024-01-22. Review status: criteria provided, single submitter. Criteria: Invitae Variant Classification Sherloc (09022015). Collection method: clinical testing. Allele origin: germline.

NM_001244008.2(KIF1A):c.5056C>T (p.Leu1686=)

Gene: KIF1A (kinesin family member 1A; minus strand). Cytogenetic location: 2q37.3.
Variant type: single nucleotide variant.
Coding change: c.5056C>T on transcript NM_001244008.2 (MANE Select); coding-DNA position 5056, C replaced by T.
Protein change: p.Leu1686=; no amino-acid change (leucine 1686 retained).
Molecular consequence: synonymous variant.
Genome position (GRCh38, 1-based): chr2:240,719,164, G>A on the plus strand (C>T on the coding strand, the complement: KIF1A is on the minus strand). VCF-style: chr2-240719164-G-A. GRCh37 (hg19) VCF-style: chr2-241658581-G-A.
Other names: c.4780C>T, p.Leu1594= (NM_001320705.2, NM_001379649.1); c.4807C>T, p.Leu1603= (NM_001330289.2); c.4855C>T, p.Leu1619= (NM_001330290.2, NM_001379648.1); c.5131C>T, p.Leu1711= (NM_001379631.1); c.5032C>T, p.Leu1678= (NM_001379632.1); c.5029C>T, p.Leu1677= (NM_001379633.1, NM_001379645.1); c.4882C>T, p.Leu1628= (NM_001379634.1); c.4879C>T, p.Leu1627= (NM_001379635.1, NM_001379646.1); and 8 more.
Identifiers: ClinVar variation 1558205 (VCV001558205.9), dbSNP rs1015341506, ClinGen allele CA68132886.